The following is an entry in ClinVar:

NM_000077.5(CDKN2A):c.458-68A>G

Gene: CDKN2A (cyclin dependent kinase inhibitor 2A; minus strand). Cytogenetic location: 9p21.3.
Variant type: single nucleotide variant.
Coding change: c.458-68A>G on transcript NM_000077.5 (MANE Select); 68 bases into the intron before coding-DNA position 458, A replaced by G.
Molecular consequence: intron variant.
Genome position (GRCh38, 1-based): chr9:21,968,310, T>C on the plus strand (A>G on the coding strand, the complement: CDKN2A is on the minus strand). VCF-style: chr9-21968310-T-C. GRCh37 (hg19) VCF-style: chr9-21968309-T-C.
Other names: c.305-68A>G (NM_001363763.2); c.*102-68A>G (NM_058195.4); c.*151-68A>G (NM_001195132.2); c.*381-68A>G (NM_058197.5).
Identifiers: ClinVar variation 4294122 (VCV004294122.1).

ClinVar aggregate classification (germline): Benign (1 of 4 stars; one submission).

Conditions:
Melanoma-pancreatic cancer syndrome. Identifiers: Orphanet 404560, MedGen C1838547, MONDO:0011713, OMIM 606719. Disease mechanism: loss of function.

Submission:

Myriad Genetics, Inc.
Classification: Benign for Melanoma-pancreatic cancer syndrome. Last evaluated: 2025-08-18. Review status: criteria provided, single submitter. Criteria: Myriad Autosomal Dominant, Autosomal Recessive and X-Linked Classification Criteria (2023). Collection method: clinical testing. Allele origin: unknown.
Comment: This variant is considered benign. This variant is intronic and is not expected to impact mRNA splicing.